The following is an entry in ClinVar:

ClinVar aggregate classification (germline): Likely benign. Review status: criteria provided, multiple submitters, no conflicts (2 of 4 stars). 5 submissions from 5 submitters: Likely benign (5). Last evaluated 2025-07-15.

Conditions:
Familial thoracic aortic aneurysm and aortic dissection (TAAD). Also called: Thoracic aortic aneurysms and dissections. Identifiers: Orphanet 91387, MedGen C4707243, MONDO:0019625.
Ehlers-Danlos syndrome, type 4 (EDSVASC). Also called: Ehlers-Danlos syndrome vascular type; Ehlers Danlos syndrome, ecchymotic type; Ehlers Danlos syndrome, arterial type; Ehlers Danlos syndrome, Sack-Barabas type; Ehlers-Danlos Syndrome Type IV. Identifiers: Orphanet 286, MedGen C0268338, MONDO:0017314, OMIM 130050.

Allele frequency attached by ClinVar (database versions not stated): gnomAD 0.00006; TOPMed 0.00006; 1000 Genomes Project 30x 0.00016; ESP Exome Variant Server 0.00023.

Submissions (5):

Labcorp Genetics (formerly Invitae), Labcorp
Classification: Likely benign for Ehlers-Danlos syndrome, type 4. Last evaluated: 2025-07-15. Review status: criteria provided, single submitter. Criteria: Invitae Variant Classification Sherloc (09022015). Collection method: clinical testing. Allele origin: germline.

All of Us Research Program, National Institutes of Health
Classification: Likely benign for Ehlers-Danlos syndrome, type 4. Last evaluated: 2023-12-13. Review status: criteria provided, single submitter. Criteria: ACMG Guidelines, 2015. Collection method: clinical testing. Allele origin: germline. Inheritance: Autosomal dominant inheritance. Observed: 15 variant alleles, 15 heterozygotes.
Comment: This study involves interpretation of variants in research participants for the purpose of population health screening. Participant phenotype was not available at the time of variant classification. Additional details can be found in publication PMID: 35346344, PMCID: PMC8962531

Blueprint Genetics
Classification: Likely benign. Last evaluated: 2021-11-19. Review status: criteria provided, single submitter. Criteria: ACMG Guidelines, 2015. Collection method: clinical testing. Allele origin: germline.

Color Diagnostics, LLC DBA Color Health
Classification: Likely benign for Familial thoracic aortic aneurysm and aortic dissection. Last evaluated: 2018-10-22. Review status: criteria provided, single submitter. Criteria: ACMG Guidelines, 2015. Collection method: clinical testing. Allele origin: germline.

Ambry Genetics
Classification: Likely benign for Familial thoracic aortic aneurysm and aortic dissection. Last evaluated: 2017-02-15. Review status: criteria provided, single submitter. Criteria: Ambry Variant Classification Scheme 2023. Collection method: clinical testing. Allele origin: germline.

NM_000090.4(COL3A1):c.2355C>T (p.Pro785=)

Genes: COL3A1 (collagen type III alpha 1 chain; plus strand), LOC126806446 (P300/CBP strongly-dependent group 1 enhancer GRCh37_chr2:189866210-189867409; plus strand). Cytogenetic location: 2q32.2.
Variant type: single nucleotide variant.
Coding change: c.2355C>T on transcript NM_000090.4 (MANE Select); coding-DNA position 2355, C replaced by T.
Protein change: p.Pro785=; no amino-acid change (proline 785 retained).
Molecular consequence: synonymous variant.
Genome position (GRCh38, 1-based): chr2:189,001,553, C>T. VCF-style: chr2-189001553-C-T. GRCh37 (hg19) VCF-style: chr2-189866279-C-T.
Identifiers: ClinVar variation 519612 (VCV000519612.18), dbSNP rs148901664, ClinGen allele CA075245.